The following is an entry in ClinVar:

NM_001458.5(FLNC):c.969+14G>T

Gene: FLNC (filamin C; plus strand). Cytogenetic location: 7q32.1.
Variant type: single nucleotide variant.
Coding change: c.969+14G>T on transcript NM_001458.5 (MANE Select); 14 bases into the intron after coding-DNA position 969, G replaced by T.
Molecular consequence: intron variant.
Genome position (GRCh38, 1-based): chr7:128,837,769, G>T. VCF-style: chr7-128837769-G-T. GRCh37 (hg19) VCF-style: chr7-128477823-G-T.
Other names: c.969+14G>T (NM_001127487.2).
Identifiers: ClinVar variation 258155 (VCV000258155.14), dbSNP rs765545958, ClinGen allele CA4474178.

ClinVar aggregate classification (germline): Benign/Likely benign. Review status: criteria provided, multiple submitters, no conflicts (2 of 4 stars). 8 submissions from 8 submitters: Benign (1); Likely benign (5). 2 of the submissions do not count toward it. Last evaluated 2026-01-25.

Conditions:
Distal myopathy with posterior leg and anterior hand involvement. Also called: WILLIAMS DISTAL MYOPATHY. Identifiers: Orphanet 63273, MedGen C3279722, MONDO:0013550, OMIM 614065.
Myofibrillar myopathy 5. Also called: Filaminopathy (type); FILAMINOPATHY, AUTOSOMAL DOMINANT. Identifiers: Orphanet 171445, MedGen C1836050, MONDO:0012289, OMIM 609524.
Hypertrophic cardiomyopathy 26. Also called: Cardiomyopathy, familial hypertrophic, 26. Identifiers: Orphanet 75249, MedGen C4310749, MONDO:0014883, OMIM 617047.

Allele frequency attached by ClinVar (database versions not stated): TOPMed 0.00017.

Submissions (8):

Labcorp Genetics (formerly Invitae), Labcorp
Classification: Likely benign for Distal myopathy with posterior leg and anterior hand involvement; Myofibrillar myopathy 5; Hypertrophic cardiomyopathy 26. Last evaluated: 2026-01-25. Review status: criteria provided, single submitter. Criteria: Invitae Variant Classification Sherloc (09022015). Collection method: clinical testing. Allele origin: germline.

Women's Health and Genetics/Laboratory Corporation of America, LabCorp
Classification: Benign. Last evaluated: 2025-02-28. Review status: criteria provided, single submitter. Criteria: LabCorp Variant Classification Summary - May 2015. Collection method: clinical testing. Allele origin: germline.

Blueprint Genetics
Classification: Likely benign. Last evaluated: 2024-11-25. Review status: criteria provided, single submitter. Criteria: ACMG Guidelines, 2015. Collection method: clinical testing. Allele origin: germline.

ARUP Laboratories, Molecular Genetics and Genomics, ARUP Laboratories
Classification: Likely benign. Last evaluated: 2024-02-29. Review status: criteria provided, single submitter. Criteria: ARUP Molecular Germline Variant Investigation Process 2024. Collection method: clinical testing. Allele origin: germline.

GeneDx
Classification: Likely benign. Last evaluated: 2017-11-09. Review status: criteria provided, single submitter. Criteria: GeneDx Variant Classification (06012015). Collection method: clinical testing. Allele origin: germline. Affected: yes.
Comment: This variant is considered likely benign or benign based on one or more of the following criteria: it is a conservative change, it occurs at a poorly conserved position in the protein, it is predicted to be benign by multiple in silico algorithms, and/or has population frequency not consistent with disease.

PreventionGenetics, part of Exact Sciences
Classification: Likely benign. Review status: criteria provided, single submitter. Criteria: ACMG Guidelines, 2015. Collection method: clinical testing. Allele origin: germline.

Clinical Genetics, Academic Medical Center
Classification: Benign. Review status: no assertion criteria provided. Collection method: clinical testing. Allele origin: germline. Affected: yes. Study: VKGL Data-share Consensus. Not counted in ClinVar's aggregate classification.

Genome Diagnostics Laboratory, University Medical Center Utrecht
Classification: Likely benign. Review status: no assertion criteria provided. Collection method: clinical testing. Allele origin: germline. Affected: yes. Study: VKGL Data-share Consensus. Not counted in ClinVar's aggregate classification.